The following is an entry in ClinVar:

ClinVar aggregate classification (germline): Benign/Likely benign. Review status: criteria provided, multiple submitters, no conflicts (2 of 4 stars). 3 submissions from 3 submitters: Benign (1); Likely benign (2). Last evaluated 2025-01-17.

Conditions:
Hereditary cancer-predisposing syndrome. Also called: Hereditary Cancer Syndrome; Neoplastic Syndromes, Hereditary; Tumor predisposition; Hereditary neoplastic syndrome. Identifiers: Orphanet 140162, MedGen C0027672, MeSH D009386, MONDO:0015356.
Familial cancer of breast. Also called: BREAST CANCER, FAMILIAL; Hereditary breast cancer; hereditary breast carcinoma. Identifiers: Orphanet 227535, MedGen C0346153, MONDO:0016419, OMIM 114480. Disease mechanism: loss of function.

Submissions (3):

Myriad Genetics, Inc.
Classification: Benign for Familial cancer of breast. Last evaluated: 2025-01-17. Review status: criteria provided, single submitter. Criteria: Myriad Autosomal Dominant, Autosomal Recessive and X-Linked Classification Criteria (2023). Collection method: clinical testing. Allele origin: unknown.
Comment: This variant is considered benign. This variant is a silent/synonymous amino acid change and it is not expected to impact splicing.

Labcorp Genetics (formerly Invitae), Labcorp
Classification: Likely benign for Familial cancer of breast. Last evaluated: 2022-04-09. Review status: criteria provided, single submitter. Criteria: Invitae Variant Classification Sherloc (09022015). Collection method: clinical testing. Allele origin: germline.

Ambry Genetics
Classification: Likely benign for Hereditary cancer-predisposing syndrome. Last evaluated: 2017-01-03. Review status: criteria provided, single submitter. Criteria: Ambry Variant Classification Scheme 2023. Collection method: clinical testing. Allele origin: germline.

NM_024675.4(PALB2):c.2682A>G (p.Val894=)

Gene: PALB2 (partner and localizer of BRCA2; minus strand). Cytogenetic location: 16p12.2.
Variant type: single nucleotide variant.
Coding change: c.2682A>G on transcript NM_024675.4 (MANE Select); coding-DNA position 2682, A replaced by G.
Protein change: p.Val894=; no amino-acid change (valine 894 retained).
Molecular consequence: synonymous variant.
Genome position (GRCh38, 1-based): chr16:23,626,302, T>C on the plus strand (A>G on the coding strand, the complement: PALB2 is on the minus strand). VCF-style: chr16-23626302-T-C. GRCh37 (hg19) VCF-style: chr16-23637623-T-C.
Identifiers: ClinVar variation 480278 (VCV000480278.11), dbSNP rs1555459959, ClinGen allele CA494161246.